The following is an entry in ClinVar:

NM_033360.4(KRAS):c.44G>T (p.Gly15Val)

Gene: KRAS (KRAS proto-oncogene, GTPase; minus strand). Cytogenetic location: 12p12.1.
Variant type: single nucleotide variant.
Coding change: c.44G>T on transcript NM_033360.4; coding-DNA position 44, G replaced by T.
Protein change: p.Gly15Val; replaces glycine 15 with valine.
Molecular consequence: missense variant.
Genome position (GRCh38, 1-based): chr12:25,245,341, C>A on the plus strand (G>T on the coding strand, the complement: KRAS is on the minus strand). VCF-style: chr12-25245341-C-A. GRCh37 (hg19) VCF-style: chr12-25398275-C-A.
Other names: c.44G>T, p.Gly15Val (LRG_344t1, LRG_344t2, NM_001369786.1 and 2 more transcripts); short protein forms G15V.
Identifiers: ClinVar variation 452631 (VCV000452631.2), dbSNP rs1555195579, ClinGen allele CA384157440.

ClinVar aggregate classification (germline): Likely pathogenic (1 of 4 stars; one submission).

Submission:

GeneDx
Classification: Likely pathogenic. Last evaluated: 2017-10-10. Review status: criteria provided, single submitter. Criteria: GeneDx Variant Classification (06012015). Collection method: clinical testing. Allele origin: germline. Affected: yes.
Comment: The G15V variant in the KRAS gene has not been reported previously as a pathogenic variant, nor as a benign variant, to our knowledge. The G15V variant is not observed in large population cohorts (Lek et al., 2016). The G15V variant is a conservative amino acid substitution, which is not likely to impact secondary protein structure as these residues share similar properties. This substitution occurs at a position that is conserved across species. In silico analysis predicts this variant is probably damaging to the protein structure/function. Missense variants in nearby residues (G12S, G13C, V14I, L19F) have been reported in the Human Gene Mutation Database in association with KRAS-related disorders (Stenson et al., 2014), supporting the functional importance of this region of the protein. We interpret G15V as a likely pathogenic variant